The following is an entry in ClinVar:

ClinVar aggregate classification (germline): Likely benign (0 of 4 stars; one submission).

Conditions:
CELSR1-related disorder. Also called: CELSR1-related condition.

Allele frequency attached by ClinVar (database versions not stated): gnomAD 0.00007; TOPMed 0.00009.
gnomAD v4.1: 243 of 1,612,410 alleles (0.015%); highest among the groups gnomAD compares: Non-Finnish European, 0.019%; no homozygotes.

Submission:

PreventionGenetics, part of Exact Sciences
Classification: Likely benign for CELSR1-related condition. Last evaluated: 2019-10-28. Review status: no assertion criteria provided. Collection method: clinical testing. Allele origin: germline.
Comment: This variant is classified as likely benign based on ACMG/AMP sequence variant interpretation guidelines (Richards et al. 2015 PMID: 25741868, with internal and published modifications).

NM_001378328.1(CELSR1):c.1059C>T (p.Phe353=)

Gene: CELSR1 (cadherin EGF LAG seven-pass G-type receptor 1; minus strand). Cytogenetic location: 22q13.31.
Variant type: single nucleotide variant.
Coding change: c.1059C>T on transcript NM_001378328.1 (MANE Select); coding-DNA position 1059, C replaced by T.
Protein change: p.Phe353=; no amino-acid change (phenylalanine 353 retained).
Molecular consequence: synonymous variant.
Genome position (GRCh38, 1-based): chr22:46,536,112, G>A on the plus strand (C>T on the coding strand, the complement: CELSR1 is on the minus strand). VCF-style: chr22-46536112-G-A. GRCh37 (hg19) VCF-style: chr22-46932009-G-A.
Other names: c.1059C>T, p.Phe353= (NM_014246.4).
Identifiers: ClinVar variation 3045297 (VCV003045297.2), dbSNP rs202069007, ClinGen allele CA10295571.
Genomic context (GRCh38, chr22:46,536,112, plus strand): 5'-CAGCACCTCGTAGCCCACCTCCAGGTTCTCCCGCACGCGCTCGCGGTACTCCGACTGCTC[G>A]AAGACCGGGCTGTGGTCGTTGGTGTCTTTGACCAAGACAGTGATGTAGGTGGTGGCCGAG-3'
Protein context (NP_001365257.1, residues 343-363): VKDTNDHSPV[Phe353=]EQSEYRERVR